The following is an entry in ClinVar:

ClinVar aggregate classification (germline): Uncertain significance (1 of 4 stars; one submission).

Submission:

Labcorp Genetics (formerly Invitae), Labcorp
Classification: Uncertain significance. Last evaluated: 2022-07-26. Review status: criteria provided, single submitter. Criteria: Invitae Variant Classification Sherloc (09022015). Collection method: clinical testing. Allele origin: germline.
Comment: This sequence change replaces glutamine, which is neutral and polar, with histidine, which is basic and polar, at codon 17 of the GPX4 protein (p.Gln17His). This variant is not present in population databases (gnomAD no frequency). This variant has not been reported in the literature in individuals affected with GPX4-related conditions. Algorithms developed to predict the effect of missense changes on protein structure and function are either unavailable or do not agree on the potential impact of this missense change (SIFT: "Tolerated"; PolyPhen-2: "Not Available"; Align-GVGD: "Class C0"). In summary, the available evidence is currently insufficient to determine the role of this variant in disease. Therefore, it has been classified as a Variant of Uncertain Significance.

NM_002085.5(GPX4):c.85-401G>T

Genes: GPX4 (glutathione peroxidase 4; plus strand), LOC130062887 (ATAC-STARR-seq lymphoblastoid silent region 9665; plus strand). Cytogenetic location: 19p13.3.
Variant type: single nucleotide variant.
Coding change: c.85-401G>T on transcript NM_002085.5 (MANE Select); 401 bases into the intron before coding-DNA position 85, G replaced by T.
Molecular consequence: intron variant. On other transcripts: missense variant (1).
Genome position (GRCh38, 1-based): chr19:1,104,785, G>T. VCF-style: chr19-1104785-G-T. GRCh37 (hg19) VCF-style: chr19-1104784-G-T.
Other names: c.51G>T, p.Gln17His (NM_001039848.4); c.85-401G>T (NM_001039847.3); c.4-401G>T (NM_001367832.1); short protein forms Q17H.
Identifiers: ClinVar variation 2049132 (VCV002049132.4), dbSNP rs2512690146, ClinGen allele CA402934773.